The following is an entry in ClinVar:

ClinVar aggregate classification (germline): Benign/Likely benign. Review status: criteria provided, multiple submitters, no conflicts (2 of 4 stars). 5 submissions from 5 submitters: Benign (1); Likely benign (3). 1 of the submissions does not count toward it. Last evaluated 2024-06-06.

Conditions:
TNXB-related disorder. Also called: TNXB-related condition.
Ehlers-Danlos syndrome due to tenascin-X deficiency (EDSCLL1). Also called: TNX DEFICIENCY; EHLERS-DANLOS SYNDROME, CLASSIC-LIKE; Ehlers-Danlos syndrome, classic-like, 1; EDS DUE TO TNX DEFICIENCY; TNXB-Related Classical-Like Ehlers-Danlos Syndrome. Identifiers: Orphanet 230839, MedGen C1848029, MONDO:0011670, OMIM 606408.
Vesicoureteral reflux 8 (VUR8). Identifiers: Orphanet 289365, MedGen C4014831, MONDO:0014422, OMIM 615963.
Ehlers-Danlos syndrome (EDS). Identifiers: Orphanet 98249, MedGen C0013720, MONDO:0020066.

Allele frequency attached by ClinVar (database versions not stated): 1000 Genomes Project 30x 0.00906.

Submissions (5):

Mayo Clinic Laboratories, Mayo Clinic
Classification: Benign. Last evaluated: 2024-06-06. Review status: criteria provided, single submitter. Criteria: ACMG Guidelines, 2015. Collection method: clinical testing. Allele origin: germline. Observed: 52 variant alleles.
Comment: BS1, BS2, BP4, BP7

Fulgent Genetics
Classification: Likely benign for Ehlers-Danlos syndrome due to tenascin-X deficiency; Vesicoureteral reflux 8. Last evaluated: 2021-09-01. Review status: criteria provided, single submitter. Criteria: ACMG Guidelines, 2015. Collection method: clinical testing. Allele origin: unknown.

Genome Diagnostics Laboratory, The Hospital for Sick Children
Classification: Likely benign for Ehlers-Danlos syndrome. Last evaluated: 2019-12-01. Review status: criteria provided, single submitter. Criteria: ACMG Guidelines, 2015. Collection method: clinical testing. Allele origin: germline.

Breakthrough Genomics
Classification: Likely benign. Review status: criteria provided, single submitter. Criteria: ACMG Guidelines, 2015. Collection method: not provided. Allele origin: germline. Inheritance: Autosomal recessive inheritance. Affected: yes.

PreventionGenetics, part of Exact Sciences
Classification: Benign for TNXB-related condition. Last evaluated: 2024-05-09. Review status: no assertion criteria provided. Collection method: clinical testing. Allele origin: germline. Not counted in ClinVar's aggregate classification.
Comment: This variant is classified as benign based on ACMG/AMP sequence variant interpretation guidelines (Richards et al. 2015 PMID: 25741868, with internal and published modifications).

NM_001365276.2(TNXB):c.12156C>G (p.Arg4052=)

Genes: TNXB (tenascin XB; minus strand), LOC106780803 (tenascin XB recombination region; plus strand). Cytogenetic location: 6p21.33.
Variant type: single nucleotide variant.
Coding change: c.12156C>G on transcript NM_001365276.2 (MANE Select); coding-DNA position 12156, C replaced by G.
Protein change: p.Arg4052=; no amino-acid change (arginine 4052 retained).
Molecular consequence: synonymous variant.
Genome position (GRCh38, 1-based): chr6:32,042,509, G>C on the plus strand (C>G on the coding strand, the complement: TNXB is on the minus strand). VCF-style: chr6-32042509-G-C. GRCh37 (hg19) VCF-style: chr6-32010286-G-C.
Other names: p.Arg4050=; c.12150C>G, p.Arg4050= (NM_019105.8); c.1443C>G, p.Arg481= (NM_032470.4).
Identifiers: ClinVar variation 261119 (VCV000261119.9), dbSNP rs6457479, ClinGen allele CA3732866.
Genomic context (GRCh38, chr6:32,042,509, plus strand): 5'-ACCCACCAGCCAGCCGCCCCCATCAGTCTCCATGTCGCAAAACACGTTCAGGGGCCGCTC[G>C]CGGTTGCCGTTGAGGAAGATGGTGCTGGTCCTGGAGGCACCGGCTCCGTTCTGCATCTCC-3'
Protein context (NP_001352205.1, residues 4042-4062): RTSTIFLNGN[Arg4052=]ERPLNVFCDM